The following is an entry in ClinVar:

NM_001256545.2(MEGF10):c.1726C>T (p.Arg576Cys)

Gene: MEGF10 (multiple EGF like domains 10; plus strand). Cytogenetic location: 5q23.2.
Variant type: single nucleotide variant.
Coding change: c.1726C>T on transcript NM_001256545.2 (MANE Select); coding-DNA position 1726, C replaced by T.
Protein change: p.Arg576Cys; replaces arginine 576 with cysteine.
Molecular consequence: missense variant.
Genome position (GRCh38, 1-based): chr5:127,433,395, C>T. VCF-style: chr5-127433395-C-T. GRCh37 (hg19) VCF-style: chr5-126769087-C-T.
Other names: c.1726C>T, p.Arg576Cys (NM_032446.3); short protein forms R576C.
Identifiers: ClinVar variation 350654 (VCV000350654.13), dbSNP rs143087353, ClinGen allele CA3391706.
Genomic context (GRCh38, chr5:127,433,395, plus strand): 5'-CAGCCTTGCCCCATGTGCATTATTTCAGGTGTCCACTGTGACAGCGTGTGTGCTGAGGGA[C>T]GCTGGGGCCCCAACTGCTCCCTGCCCTGCTACTGTAAAAATGGGGCTTCATGCTCCCCTG-3'
Protein context (NP_001243474.1, residues 566-586): VHCDSVCAEG[Arg576Cys]WGPNCSLPCY

ClinVar aggregate classification (germline): Uncertain significance. Review status: criteria provided, multiple submitters, no conflicts (2 of 4 stars). 3 submissions from 3 submitters: Uncertain significance (3). Last evaluated 2025-12-17.

Conditions:
MEGF10-related myopathy (CMYO10A). Also called: Congenital myopathy 10A, severe variant. Identifiers: Orphanet 439212, MedGen C3280679, MONDO:0013731, OMIM 614399.

Allele frequency attached by ClinVar (database versions not stated): ExAC 0.00002; gnomAD exomes 0.00005 and 0.00013; gnomAD 0.00009; TOPMed 0.00009; ESP Exome Variant Server 0.00015.
gnomAD v4.1: 196 of 1,614,048 alleles (0.012%); highest among the groups gnomAD compares: Middle Eastern, 0.016%; no homozygotes.

Submissions (3):

GeneDx
Classification: Uncertain significance. Last evaluated: 2025-12-17. Review status: criteria provided, single submitter. Criteria: GeneDx Variant Classification Process June 2021. Collection method: clinical testing. Allele origin: germline. Affected: yes.
Comment: Not observed at significant frequency in large population cohorts (gnomAD); In silico analysis suggests that this missense variant does not alter protein structure/function; Has not been previously published as pathogenic or benign to our knowledge

Labcorp Genetics (formerly Invitae), Labcorp
Classification: Uncertain significance for MEGF10-related myopathy. Last evaluated: 2022-07-19. Review status: criteria provided, single submitter. Criteria: Invitae Variant Classification Sherloc (09022015). Collection method: clinical testing. Allele origin: germline.
Comment: This sequence change replaces arginine, which is basic and polar, with cysteine, which is neutral and slightly polar, at codon 576 of the MEGF10 protein (p.Arg576Cys). This variant is present in population databases (rs143087353, gnomAD 0.009%). This variant has not been reported in the literature in individuals affected with MEGF10-related conditions. ClinVar contains an entry for this variant (Variation ID: 350654). Algorithms developed to predict the effect of missense changes on protein structure and function (SIFT, PolyPhen-2, Align-GVGD) all suggest that this variant is likely to be disruptive. In summary, the available evidence is currently insufficient to determine the role of this variant in disease. Therefore, it has been classified as a Variant of Uncertain Significance.

Illumina Laboratory Services, Illumina
Classification: Uncertain significance for MEGF10-related myopathy. Last evaluated: 2018-01-12. Review status: criteria provided, single submitter. Criteria: ICSL Variant Classification Criteria 13 December 2019. Collection method: clinical testing. Allele origin: germline.